The following is an entry in ClinVar:

NM_001271938.2(MEGF8):c.5785C>T (p.Arg1929Trp)

Gene: MEGF8 (multiple EGF like domains 8; plus strand). Cytogenetic location: 19q13.2.
Variant type: single nucleotide variant.
Coding change: c.5785C>T on transcript NM_001271938.2 (MANE Select); coding-DNA position 5785, C replaced by T.
Protein change: p.Arg1929Trp; replaces arginine 1929 with tryptophan.
Molecular consequence: missense variant.
Genome position (GRCh38, 1-based): chr19:42,362,154, C>T. VCF-style: chr19-42362154-C-T. GRCh37 (hg19) VCF-style: chr19-42866306-C-T.
Other names: c.5584C>T, p.Arg1862Trp (NM_001410.3); short protein forms R1862W, R1929W.
Identifiers: ClinVar variation 1379286 (VCV001379286.5), dbSNP rs529688057, ClinGen allele CA9475692.

ClinVar aggregate classification (germline): Uncertain significance (1 of 4 stars; one submission).

Conditions:
MEGF8-related Carpenter syndrome. Also called: Carpenter syndrome 2. Identifiers: Orphanet 65759, MedGen C3554247, MONDO:0013998, OMIM 614976.

Allele frequency attached by ClinVar (database versions not stated): gnomAD exomes 0.00002 and 0.00004; ExAC 0.00003; gnomAD 0.00003; TOPMed 0.00005; 1000 Genomes Project 30x 0.00016; 1000 Genomes Project 0.00020.
gnomAD v4.1: 28 of 1,611,414 alleles (0.0017%); highest among the groups gnomAD compares: Admixed American, 0.018%; no homozygotes.

Submission:

Labcorp Genetics (formerly Invitae), Labcorp
Classification: Uncertain significance for MEGF8-related Carpenter syndrome. Last evaluated: 2022-05-05. Review status: criteria provided, single submitter. Criteria: Invitae Variant Classification Sherloc (09022015). Collection method: clinical testing. Allele origin: germline.
Comment: This sequence change replaces arginine, which is basic and polar, with tryptophan, which is neutral and slightly polar, at codon 1862 of the MEGF8 protein (p.Arg1862Trp). This variant is present in population databases (rs529688057, gnomAD 0.02%). This variant has not been reported in the literature in individuals affected with MEGF8-related conditions. Algorithms developed to predict the effect of missense changes on protein structure and function are either unavailable or do not agree on the potential impact of this missense change (SIFT: "Deleterious"; PolyPhen-2: "Probably Damaging"; Align-GVGD: "Class C0"). In summary, the available evidence is currently insufficient to determine the role of this variant in disease. Therefore, it has been classified as a Variant of Uncertain Significance.